The following is an entry in ClinVar:

ClinVar aggregate classification (germline): Uncertain significance (0 of 4 stars; one submission).

Conditions:
KMT2D-related disorder. Also called: KMT2D-Related Disorders.

Submission:

PreventionGenetics, part of Exact Sciences
Classification: Uncertain significance for KMT2D-related condition. Last evaluated: 2023-11-02. Review status: no assertion criteria provided. Collection method: clinical testing. Allele origin: germline.
Comment: The KMT2D c.13793G>C variant is predicted to result in the amino acid substitution p.Gly4598Ala. To our knowledge, this variant has not been reported in the literature or in a large population database, indicating this variant is rare. At this time, the clinical significance of this variant is uncertain due to the absence of conclusive functional and genetic evidence.

NM_003482.4(KMT2D):c.13793G>C (p.Gly4598Ala)

Gene: KMT2D (lysine methyltransferase 2D; minus strand). Cytogenetic location: 12q13.12.
Variant type: single nucleotide variant.
Coding change: c.13793G>C on transcript NM_003482.4 (MANE Select); coding-DNA position 13793, G replaced by C.
Protein change: p.Gly4598Ala; replaces glycine 4598 with alanine.
Molecular consequence: missense variant.
Genome position (GRCh38, 1-based): chr12:49,030,647, C>G on the plus strand (G>C on the coding strand, the complement: KMT2D is on the minus strand). VCF-style: chr12-49030647-C-G. GRCh37 (hg19) VCF-style: chr12-49424430-C-G.
Other names: short protein forms G4598A.
Identifiers: ClinVar variation 3030708 (VCV003030708.2), dbSNP rs2498344754, ClinGen allele CA384701939.